The following is an entry in ClinVar:

ClinVar aggregate classification (germline): Uncertain significance (1 of 4 stars; one submission).

Submission:

GeneDx
Classification: Uncertain significance. Last evaluated: 2025-06-11. Review status: criteria provided, single submitter. Criteria: GeneDx Variant Classification Process June 2021. Collection method: clinical testing. Allele origin: germline. Affected: yes.
Comment: Not observed at significant frequency in large population cohorts (gnomAD); In silico analysis suggests that this missense variant does not alter protein structure/function; Has not been previously published as pathogenic or benign to our knowledge

NM_000260.4(MYO7A):c.2728G>A (p.Glu910Lys)

Gene: MYO7A (myosin VIIA; plus strand). Cytogenetic location: 11q13.5.
Variant type: single nucleotide variant.
Coding change: c.2728G>A on transcript NM_000260.4 (MANE Select); coding-DNA position 2728, G replaced by A.
Protein change: p.Glu910Lys; replaces glutamic acid 910 with lysine.
Molecular consequence: missense variant.
Genome position (GRCh38, 1-based): chr11:77,181,413, G>A. VCF-style: chr11-77181413-G-A. GRCh37 (hg19) VCF-style: chr11-76892459-G-A.
Other names: c.2728G>A, p.Glu910Lys (NM_001127180.2); c.2695G>A, p.Glu899Lys (NM_001369365.1); short protein forms E899K, E910K.
Identifiers: ClinVar variation 4538017 (VCV004538017.1).